The following is an entry in ClinVar:

NM_000091.5(COL4A3):c.1643G>T (p.Gly548Val)

Genes: COL4A3 (collagen type IV alpha 3 chain; plus strand), MFF-DT (MFF divergent transcript; minus strand). Cytogenetic location: 2q36.3.
Variant type: single nucleotide variant.
Coding change: c.1643G>T on transcript NM_000091.5 (MANE Select); coding-DNA position 1643, G replaced by T.
Protein change: p.Gly548Val; replaces glycine 548 with valine.
Molecular consequence: missense variant.
Genome position (GRCh38, 1-based): chr2:227,270,837, G>T. VCF-style: chr2-227270837-G-T. GRCh37 (hg19) VCF-style: chr2-228135553-G-T.
Other names: short protein forms G548V.
Identifiers: ClinVar variation 1256213 (VCV001256213.2), dbSNP rs2125991176, ClinGen allele CA350871738.

ClinVar aggregate classification (germline): Likely pathogenic (1 of 4 stars; one submission).

Submission:

Athena Diagnostics
Classification: Likely pathogenic. Last evaluated: 2022-03-01. Review status: criteria provided, single submitter. Criteria: Athena Diagnostics Criteria. Collection method: clinical testing. Allele origin: unknown.
Comment: This variant has not been reported in large, multi-ethnic general populations. Many pathogenic variants in this gene involve the substitution of a glycine residue in the triple-helix domain, resulting in disruption of protein function (PMID: 29632050, 21421911, 19344236). This variant alters a critical location within the protein, and is expected to severely affect function and cause disease.